The following is an entry in ClinVar:

NM_002485.5(NBN):c.1483C>G (p.Pro495Ala)

Gene: NBN (nibrin; minus strand). Cytogenetic location: 8q21.3.
Variant type: single nucleotide variant.
Coding change: c.1483C>G on transcript NM_002485.5 (MANE Select); coding-DNA position 1483, C replaced by G.
Protein change: p.Pro495Ala; replaces proline 495 with alanine.
Molecular consequence: missense variant.
Genome position (GRCh38, 1-based): chr8:89,953,606, G>C on the plus strand (C>G on the coding strand, the complement: NBN is on the minus strand). VCF-style: chr8-89953606-G-C. GRCh37 (hg19) VCF-style: chr8-90965834-G-C.
Other names: c.1237C>G, p.Pro413Ala (NM_001024688.3); short protein forms P413A, P495A.
Identifiers: ClinVar variation 4058347 (VCV004058347.2).

ClinVar aggregate classification (germline): Uncertain significance. Review status: criteria provided, single submitter (1 of 4 stars). 2 submissions from 2 submitters: Uncertain significance (1). 1 of the submissions does not count toward it. Last evaluated 2026-07-18.

Conditions:
Microcephaly, normal intelligence and immunodeficiency (NBS). Also called: IMMUNODEFICIENCY, MICROCEPHALY, AND CHROMOSOMAL INSTABILITY; SEEMANOVA SYNDROME II; Nijmegen breakage syndrome; Microcephaly with normal intelligence immunodeficiency and lymphoreticular malignancies; Nonsyndromal microcephaly autosomal recessive with normal intelligence; Seemanova syndrome 2. Identifiers: Orphanet 647, MedGen C0398791, MONDO:0009623, OMIM 251260.
Hereditary cancer-predisposing syndrome. Also called: Neoplastic Syndromes, Hereditary; Tumor predisposition; Hereditary Cancer Syndrome; Hereditary neoplastic syndrome. Identifiers: Orphanet 140162, MedGen C0027672, MeSH D009386, MONDO:0015356.

Submissions (2):

Ambry Genetics
Classification: Uncertain significance for Hereditary cancer-predisposing syndrome. Last evaluated: 2026-07-18. Review status: criteria provided, single submitter. Criteria: Ambry Variant Classification Scheme 2023. Collection method: clinical testing. Allele origin: germline.
Comment: The p.P495A variant (also known as c.1483C>G), located in coding exon 11 of the NBN gene, results from a C to G substitution at nucleotide position 1483. The proline at codon 495 is replaced by alanine, an amino acid with highly similar properties. This amino acid position is conserved. In addition, this alteration is predicted to be tolerated by in silico analysis. Based on the available evidence, the clinical significance of this variant remains unclear.

Natera, Inc.
Classification: Uncertain significance for Nijmegen breakage syndrome. Last evaluated: 2025-02-11. Review status: no assertion criteria provided. Collection method: clinical testing. Allele origin: germline. Not counted in ClinVar's aggregate classification.